The following is an entry in ClinVar:

ClinVar aggregate classification (germline): Uncertain significance (1 of 4 stars; one submission).

Submission:

Women's Health and Genetics/Laboratory Corporation of America, LabCorp
Classification: Uncertain significance. Last evaluated: 2025-09-03. Review status: criteria provided, single submitter. Criteria: LabCorp Variant Classification Summary - May 2015. Collection method: clinical testing. Allele origin: germline.
Comment: Variant summary: COL12A1 c.5959C>G (p.Arg1987Gly) results in a non-conservative amino acid change in the encoded protein sequence. Algorithms developed to predict the effect of missense changes on protein structure and function are either unavailable or do not agree on the potential impact of this missense change. The variant was absent in 249430 control chromosomes. The available data on variant occurrences in the general population are insufficient to allow any conclusion about variant significance. To our knowledge, no occurrence of c.5959C>G in individuals affected with COL12A1-related conditions and no experimental evidence demonstrating its impact on protein function have been reported. No submitters have cited clinical-significance assessments for this variant to ClinVar. Based on the evidence outlined above, the variant was classified as uncertain significance.

NM_004370.6(COL12A1):c.5959C>G (p.Arg1987Gly)

Gene: COL12A1 (collagen type XII alpha 1 chain; minus strand). Cytogenetic location: 6q13.
Variant type: single nucleotide variant.
Coding change: c.5959C>G on transcript NM_004370.6 (MANE Select); coding-DNA position 5959, C replaced by G.
Protein change: p.Arg1987Gly; replaces arginine 1987 with glycine.
Molecular consequence: missense variant.
Genome position (GRCh38, 1-based): chr6:75,130,960, G>C on the plus strand (C>G on the coding strand, the complement: COL12A1 is on the minus strand). VCF-style: chr6-75130960-G-C. GRCh37 (hg19) VCF-style: chr6-75840676-G-C.
Other names: c.5959C>G, p.Arg1987Gly (NM_001424113.1); c.5938C>G, p.Arg1980Gly (NM_001424114.1); c.5686C>G, p.Arg1896Gly (NM_001424115.1); c.2467C>G, p.Arg823Gly (NM_001424116.1, NM_080645.3); short protein forms R1896G, R1980G, R1987G, R823G.
Identifiers: ClinVar variation 4535876 (VCV004535876.1).